The following is an entry in ClinVar:

ClinVar aggregate classification (germline): Pathogenic (1 of 4 stars; one submission).

Conditions:
Cohen syndrome (COH1). Also called: PEPPER SYNDROME; Cutis verticis gyrata, retinitis pigmentosa, and sensorineural deafness. Identifiers: Orphanet 193, MedGen C0265223, MONDO:0008999, OMIM 216550.

Submission:

Myriad Genetics, Inc.
Classification: Pathogenic for Cohen syndrome. Last evaluated: 2025-07-09. Review status: criteria provided, single submitter. Criteria: Myriad Autosomal Dominant, Autosomal Recessive and X-Linked Classification Criteria (2023). Collection method: clinical testing. Allele origin: unknown.
Comment: NM_017890.4(VPS13B):c.3061delG(V1021*) is frameshift classified as pathogenic in the context of Cohen syndrome. V1021* has not been observed in cases with relevant disease. Relevant functional assessments of this variant are not available in the literature. V1021* has not been observed in referenced population frequency databases. In summary, NM_017890.4(VPS13B):c.3061delG(V1021*) is frameshift in a gene where loss of function is a known mechanism of disease and is predicted to disrupt protein function. Please note: this variant was assessed in the context of healthy population screening.

NM_152564.5(VPS13B):c.3061del (p.Pro1020_Val1021insTer)

Gene: VPS13B (vacuolar protein sorting 13 homolog B; plus strand). Cytogenetic location: 8q22.2.
Variant type: Deletion.
Coding change: c.3061del on transcript NM_152564.5 (MANE Select); coding-DNA position 3061, one base deleted (G; older notation c.3061delG).
Protein change: p.Pro1020_Val1021insTer.
Molecular consequence: nonsense.
Genome position (GRCh38, 1-based): chr8:99,391,683, G deleted. VCF-style (leftmost placement, unchanged base first): chr8-99391682-TG-T. GRCh37 (hg19) VCF-style: chr8-100403910-TG-T.
Other names: c.3061del, p.Pro1020_Val1021insTer (NM_017890.5).
Identifiers: ClinVar variation 4081822 (VCV004081822.1).
Genomic context (GRCh38, chr8:99,391,682, plus strand): 5'-TGGAAGTGCCCCCTTGGCAAAGCAGCAATCATATCAGGCCTCTGAATATGCCAGCAGCCC[TG>T]TAAAAACAAAAACGGTAACAGGTATGTGTCAAGTACTGTAAAGGGACTATGATTGTACTC-3'